The following is an entry in ClinVar:

NM_001035.3(RYR2):c.5895del (p.Phe1965fs)

Gene: RYR2 (ryanodine receptor 2; plus strand). Cytogenetic location: 1q43.
Variant type: Deletion.
Coding change: c.5895del on transcript NM_001035.3 (MANE Select); coding-DNA position 5895, one base deleted (T; older notation c.5895delT).
Protein change: p.Phe1965fs; shifts the reading frame from phenylalanine 1965.
Molecular consequence: frameshift variant.
Genome position (GRCh38, 1-based): chr1:237,617,465, T deleted; the last of 3 consecutive T bases (chr1:237,617,463-237,617,465); deleting any one gives the same sequence. VCF-style (leftmost placement, unchanged base first): chr1-237617462-AT-A. GRCh37 (hg19) VCF-style: chr1-237780762-AT-A.
Other names: short protein forms F1965fs.
Identifiers: ClinVar variation 2829804 (VCV002829804.3), dbSNP rs2546818198, ClinGen allele CA2739274072.

ClinVar aggregate classification (germline): Uncertain significance (1 of 4 stars; one submission).

Conditions:
Catecholaminergic polymorphic ventricular tachycardia 1. Also called: VENTRICULAR TACHYCARDIA, CATECHOLAMINERGIC POLYMORPHIC, 1, WITH OR WITHOUT ATRIAL DYSFUNCTION AND/OR DILATED CARDIOMYOPATHY; VENTRICULAR TACHYCARDIA, STRESS-INDUCED POLYMORPHIC 1; RYR2-Related Catecholaminergic Polymorphic Ventricular Tachycardia. Identifiers: Orphanet 3286, MedGen C1631597, MONDO:0011484, OMIM 604772.

Submission:

Labcorp Genetics (formerly Invitae), Labcorp
Classification: Uncertain significance for Catecholaminergic polymorphic ventricular tachycardia 1. Last evaluated: 2023-01-18. Review status: criteria provided, single submitter. Criteria: Invitae Variant Classification Sherloc (09022015). Collection method: clinical testing. Allele origin: germline.
Comment: In summary, the available evidence is currently insufficient to determine the role of this variant in disease. Therefore, it has been classified as a Variant of Uncertain Significance. This variant has not been reported in the literature in individuals affected with RYR2-related conditions. This variant is not present in population databases (gnomAD no frequency). This sequence change creates a premature translational stop signal (p.Phe1965Leufs*39) in the RYR2 gene. It is expected to result in an absent or disrupted protein product. However, the current clinical and genetic evidence is not sufficient to establish whether loss-of-function variants in RYR2 cause disease.